The following is an entry in ClinVar:

ClinVar aggregate classification (germline): Uncertain significance. Review status: criteria provided, multiple submitters, no conflicts (2 of 4 stars). 3 submissions from 3 submitters: Uncertain significance (3). Last evaluated 2025-09-24.

Conditions:
Hereditary pheochromocytoma and paraganglioma. Also called: Hereditary paragangliomas and pheochromocytomas; Hereditary pheochromocytoma-paraganglioma; Hereditary Paraganglioma-Pheochromocytoma Syndromes. Identifiers: Orphanet 29072, MedGen C4274332, MONDO:0017366.
Pheochromocytoma. Also called: MAX-Related Hereditary Paraganglioma-Pheochromocytoma Syndrome. Identifiers: Orphanet 29072, MedGen C0031511, MONDO:0008233, OMIM 171300, HP:0002666.
Hereditary cancer-predisposing syndrome. Also called: Tumor predisposition; Neoplastic Syndromes, Hereditary; Hereditary Cancer Syndrome; Hereditary neoplastic syndrome. Identifiers: Orphanet 140162, MedGen C0027672, MeSH D009386, MONDO:0015356.

Allele frequency attached by ClinVar (database versions not stated): TOPMed 0.00001.
gnomAD v4.1: 1 of 1,614,172 alleles (0.000062%); highest among the groups gnomAD compares: Non-Finnish European, 0.000085%; no homozygotes.

Submissions (3):

Ambry Genetics
Classification: Uncertain significance for Hereditary cancer-predisposing syndrome. Last evaluated: 2025-09-24. Review status: criteria provided, single submitter. Criteria: Ambry Variant Classification Scheme 2023. Collection method: clinical testing. Allele origin: germline.

Labcorp Genetics (formerly Invitae), Labcorp
Classification: Uncertain significance for Hereditary pheochromocytoma and paraganglioma. Last evaluated: 2025-07-25. Review status: criteria provided, single submitter. Criteria: Invitae Variant Classification Sherloc (09022015). Collection method: clinical testing. Allele origin: germline.
Comment: This sequence change replaces glycine, which is neutral and non-polar, with alanine, which is neutral and non-polar, at codon 182 of the TMEM127 protein (p.Gly182Ala). This variant is not present in population databases (gnomAD no frequency). This variant has not been reported in the literature in individuals affected with TMEM127-related conditions. ClinVar contains an entry for this variant (Variation ID: 1044240). An algorithm developed to predict the effect of missense changes on protein structure and function (PolyPhen-2) suggests that this variant is likely to be disruptive. In summary, the available evidence is currently insufficient to determine the role of this variant in disease. Therefore, it has been classified as a Variant of Uncertain Significance.

Baylor Genetics
Classification: Uncertain significance for Pheochromocytoma. Last evaluated: 2023-10-03. Review status: criteria provided, single submitter. Criteria: ACMG Guidelines, 2015. Collection method: clinical testing. Allele origin: unknown.

NM_017849.4(TMEM127):c.545G>C (p.Gly182Ala)

Gene: TMEM127 (transmembrane protein 127; minus strand). Cytogenetic location: 2q11.2.
Variant type: single nucleotide variant.
Coding change: c.545G>C on transcript NM_017849.4 (MANE Select); coding-DNA position 545, G replaced by C.
Protein change: p.Gly182Ala; replaces glycine 182 with alanine.
Molecular consequence: missense variant.
Genome position (GRCh38, 1-based): chr2:96,253,980, C>G on the plus strand (G>C on the coding strand, the complement: TMEM127 is on the minus strand). VCF-style: chr2-96253980-C-G. GRCh37 (hg19) VCF-style: chr2-96919718-C-G.
Other names: c.545G>C, p.Gly182Ala (NM_001193304.3); short protein forms G182A.
Identifiers: ClinVar variation 1044240 (VCV001044240.16), dbSNP rs761885719, ClinGen allele CA347652406.